The following is an entry in ClinVar:

ClinVar aggregate classification (germline): Conflicting classifications of pathogenicity. Review status: criteria provided, conflicting classifications (1 of 4 stars). 4 submissions from 4 submitters: Uncertain significance (1); Benign (1); Likely benign (2). Last evaluated 2025-07-03.

Conditions:
Hereditary cancer-predisposing syndrome. Also called: Hereditary neoplastic syndrome; Neoplastic Syndromes, Hereditary; Tumor predisposition; Hereditary Cancer Syndrome. Identifiers: Orphanet 140162, MedGen C0027672, MeSH D009386, MONDO:0015356.
POLD1-related polyposis and colorectal cancer syndrome (CRCS10). Also called: Colorectal cancer, susceptibility to, 10; Colorectal cancer 10; COLORECTAL CANCER, SUSCEPTIBILITY TO, ON CHROMOSOME 19q. Identifiers: Orphanet 220460, MedGen C2675481, MONDO:0012953, OMIM 612591.

Allele frequency attached by ClinVar (database versions not stated): gnomAD exomes below 0.00001.

Submissions (4):

Ambry Genetics
Classification: Likely benign for Hereditary cancer-predisposing syndrome. Last evaluated: 2025-07-03. Review status: criteria provided, single submitter. Criteria: Ambry Variant Classification Scheme 2023. Collection method: clinical testing. Allele origin: germline.

Myriad Genetics, Inc.
Classification: Benign for POLD1-related polyposis and colorectal cancer syndrome. Last evaluated: 2025-02-06. Review status: criteria provided, single submitter. Criteria: Myriad Autosomal Dominant, Autosomal Recessive and X-Linked Classification Criteria (2023). Collection method: clinical testing. Allele origin: unknown.
Comment: This variant is considered benign. This variant is a silent/synonymous amino acid change and it is not expected to impact splicing.

Labcorp Genetics (formerly Invitae), Labcorp
Classification: Likely benign for POLD1-related polyposis and colorectal cancer syndrome. Last evaluated: 2024-10-30. Review status: criteria provided, single submitter. Criteria: Invitae Variant Classification Sherloc (09022015). Collection method: clinical testing. Allele origin: germline.

Quest Diagnostics Nichols Institute San Juan Capistrano
Classification: Uncertain significance. Last evaluated: 2024-04-22. Review status: criteria provided, single submitter. Criteria: Quest Diagnostics criteria. Collection method: clinical testing. Allele origin: unknown.
Comment: The POLD1 c.1470G>A (p.Gln490=) synonymous variant has not been reported in individuals with POLD1-related conditions in the published literature. The frequency of this variant in the general population, 0.0000047 (1/210980 chromosomes (Genome Aggregation Database)), is uninformative in the assessment of its pathogenicity. Analysis of this variant using software algorithms for the prediction of the effect of nucleotide changes on splicing yielded predictions that this variant does not affect POLD1 mRNA splicing. Based on the available information, we are unable to determine the clinical significance of this variant.

NM_002691.4(POLD1):c.1470G>A (p.Gln490=)

Gene: POLD1 (DNA polymerase delta 1, catalytic subunit; plus strand). Cytogenetic location: 19q13.33.
Variant type: single nucleotide variant.
Coding change: c.1470G>A on transcript NM_002691.4 (MANE Select); coding-DNA position 1470, G replaced by A.
Protein change: p.Gln490=; no amino-acid change (glutamine 490 retained).
Molecular consequence: synonymous variant. On other transcripts: non-coding transcript variant (1).
Genome position (GRCh38, 1-based): chr19:50,406,493, G>A. VCF-style: chr19-50406493-G-A. GRCh37 (hg19) VCF-style: chr19-50909750-G-A.
Other names: c.1470G>A (NM_002691.2, NM_002691.3); c.1470G>A, p.Gln490= (NM_001256849.1, NM_001308632.1).
Identifiers: ClinVar variation 1144381 (VCV001144381.12), dbSNP rs1384806459, ClinGen allele CA508304755.